The following is an entry in ClinVar:

ClinVar aggregate classification (germline): Pathogenic/Likely pathogenic. Review status: criteria provided, multiple submitters, no conflicts (2 of 4 stars). 5 submissions from 5 submitters: Pathogenic (3); Likely pathogenic (2). Last evaluated 2025-03-01.

Conditions:
Hereditary cancer-predisposing syndrome. Also called: Tumor predisposition; Hereditary neoplastic syndrome; Neoplastic Syndromes, Hereditary; Hereditary Cancer Syndrome. Identifiers: Orphanet 140162, MedGen C0027672, MeSH D009386, MONDO:0015356.
Fanconi anemia (FA). Also called: Fanconi's anemia. Identifiers: Orphanet 84, MedGen C0015625, MeSH D005199, MONDO:0019391.
Fanconi anemia complementation group C (FANCC). Also called: FANCONI PANCYTOPENIA, TYPE 3; FACC; FANCC-Related Fanconi Anemia; Fanconi anemia, group C. Identifiers: Orphanet 84, MedGen C3468041, MONDO:0009213, OMIM 227645.

Allele frequency attached by ClinVar (database versions not stated): gnomAD exomes below 0.00001.

Submissions (5):

Labcorp Genetics (formerly Invitae), Labcorp
Classification: Pathogenic for Fanconi anemia. Last evaluated: 2025-03-01. Review status: criteria provided, single submitter. Criteria: Invitae Variant Classification Sherloc (09022015). Collection method: clinical testing. Allele origin: germline.
Comment: This sequence change creates a premature translational stop signal (p.Ser459Argfs*58) in the FANCC gene. While this is not anticipated to result in nonsense mediated decay, it is expected to disrupt the last 100 amino acid(s) of the FANCC protein. This variant is not present in population databases (gnomAD no frequency). This variant has not been reported in the literature in individuals affected with FANCC-related conditions. ClinVar contains an entry for this variant (Variation ID: 1072437). This variant disrupts a region of the FANCC protein in which other variant(s) (p.Arg548*) have been determined to be pathogenic (PMID: 8103176, 8882868, 24584348). This suggests that this is a clinically significant region of the protein, and that variants that disrupt it are likely to be disease-causing. For these reasons, this variant has been classified as Pathogenic.

Natera, Inc.
Classification: Likely pathogenic for Fanconi anemia. Last evaluated: 2024-05-13. Review status: criteria provided, single submitter. Criteria: Natera Variant Classification Schema (03/2026). Collection method: clinical testing. Allele origin: germline.
Comment: The c.1377_1378delCA variant in FANCC is a frameshift variant predicted to shift the reading frame beginning at codon 459 and leads to a stop codon 58 codons downstream. This variant may result in a truncated or dysfunctional protein product. This variant is rare in the general population with a frequency below the threshold expected for the associated phenotype(s). Given the available evidence, this variant is classified as Likely Pathogenic.

Ambry Genetics
Classification: Pathogenic for Hereditary cancer-predisposing syndrome. Last evaluated: 2024-02-27. Review status: criteria provided, single submitter. Criteria: Ambry Variant Classification Scheme 2023. Collection method: clinical testing. Allele origin: germline.
Comment: The c.1377_1378delCA pathogenic mutation, located in coding exon 13 of the FANCC gene, results from a deletion of two nucleotides at nucleotide positions 1377 to 1378, causing a translational frameshift with a predicted alternate stop codon (p.S459Rfs*58). This alteration occurs at the 3' terminus of theFANCC gene, is not expected to trigger nonsense-mediated mRNA decay, and only impacts the last 100 amino acids of the protein. However, premature stop codons are typically deleterious in nature and a significant portion of the protein is affected (Ambry internal data). This alteration has been identified in an individual diagnosed with a sarcoma (Chan SH et al. Sci Rep, 2017 Sep;7:10660). This variant is considered to be rare based on population cohorts in the Genome Aggregation Database (gnomAD). Based on the supporting evidence, this alteration is interpreted as a disease-causing mutation.

Baylor Genetics
Classification: Pathogenic for Fanconi anemia complementation group C. Last evaluated: 2023-09-26. Review status: criteria provided, single submitter. Criteria: ACMG Guidelines, 2015. Collection method: clinical testing. Allele origin: unknown.

GeneDx
Classification: Likely pathogenic. Last evaluated: 2022-12-23. Review status: criteria provided, single submitter. Criteria: GeneDx Variant Classification Process June 2021. Collection method: clinical testing. Allele origin: germline. Affected: yes.
Comment: Frameshift variant predicted to result in protein truncation, as the last 100 amino acids are replaced with 57 different amino acids, and other loss-of-function variants have been reported downstream in HGMD; Not observed at significant frequency in large population cohorts (gnomAD); Identified in individuals with sarcoma or colorectal cancer (Chan et al., 2017; Gong et al., 2019); This variant is associated with the following publications: (PMID: Gordon2000[Book], 28878254, 31118792)

Literature cited by the submitters: PubMed 8103176 (cited by Labcorp Genetics (formerly Invitae), Labcorp); PubMed 8882868 (cited by Labcorp Genetics (formerly Invitae), Labcorp); PubMed 24584348 (cited by Labcorp Genetics (formerly Invitae), Labcorp); PubMed 28878254 (cited by Ambry Genetics).

NM_000136.3(FANCC):c.1377_1378del (p.Ser459fs)

Genes: AOPEP (aminopeptidase O (putative); plus strand), FANCC (FA complementation group C; minus strand). Cytogenetic location: 9q22.32.
Variant type: Deletion.
Coding change: c.1377_1378del on transcript NM_000136.3 (MANE Select); coding-DNA positions 1377 to 1378, 2 bases deleted (CA; older notation c.1377_1378delCA).
Protein change: p.Ser459fs; shifts the reading frame from serine 459.
Molecular consequence: frameshift variant.
Genome position (GRCh38, 1-based): chr9:95,107,221-95,107,222, TG deleted on the plus strand (CA on the coding strand, the reverse complement: FANCC is on the minus strand). VCF-style (leftmost placement, unchanged base first): chr9-95107220-CTG-C. GRCh37 (hg19) VCF-style: chr9-97869502-CTG-C.
Other names: c.1377_1378del (NM_000136.2); c.1377_1378del, p.Ser459fs (NM_001243743.2); c.1377_1378delCA (NM_000136.2); short protein forms S459fs.
Identifiers: ClinVar variation 1072437 (VCV001072437.12), dbSNP rs2134456127, ClinGen allele CA2499220001.
Genomic context (GRCh38, chr9:95,107,220, plus strand): 5'-CTGAGGTCTGTGTCTGTGCCCTGTCCTGCTACCGTCTGCAGGTCCTGGGCTGAGAGGCTG[CTG>C]CTTCTGGACATTGCCAGGAGGTGGCCCAGCACGGCCTTCACCTGGACCTGGGCAATAGTA-3'